The following is an entry in ClinVar:

NM_015978.3(TNNI3K):c.149+5A>T

Genes: FPGT-TNNI3K (FPGT-TNNI3K readthrough; plus strand), TNNI3K (TNNI3 interacting kinase; plus strand). Cytogenetic location: 1p31.1.
Variant type: single nucleotide variant.
Coding change: c.149+5A>T on transcript NM_015978.3 (MANE Select); 5 bases into the intron after coding-DNA position 149, A replaced by T.
Molecular consequence: intron variant.
Genome position (GRCh38, 1-based): chr1:74,236,215, A>T. VCF-style: chr1-74236215-A-T. GRCh37 (hg19) VCF-style: chr1-74701899-A-T.
Other names: c.452+5A>T (NM_001112808.3, NM_001199327.2).
Identifiers: ClinVar variation 1481981 (VCV001481981.6), dbSNP rs761013097, ClinGen allele CA908766.

ClinVar aggregate classification (germline): Uncertain significance (1 of 4 stars; one submission).

Allele frequency attached by ClinVar (database versions not stated): gnomAD exomes below 0.00001 and 0.00001; TOPMed below 0.00001; ExAC 0.00002.
gnomAD v4.1: 2 of 1,597,232 alleles (0.00013%); highest among the groups gnomAD compares: Admixed American, 0.0034%; no homozygotes.

Submission:

Labcorp Genetics (formerly Invitae), Labcorp
Classification: Uncertain significance. Last evaluated: 2021-09-15. Review status: criteria provided, single submitter. Criteria: Invitae Variant Classification Sherloc (09022015). Collection method: clinical testing. Allele origin: germline.
Comment: This variant is present in population databases (rs761013097, ExAC 0.02%). In summary, the available evidence is currently insufficient to determine the role of this variant in disease. Therefore, it has been classified as a Variant of Uncertain Significance. Variants that disrupt the consensus splice site are a relatively common cause of aberrant splicing (PMID: 17576681, 9536098). Algorithms developed to predict the effect of sequence changes on RNA splicing suggest that this variant is not likely to affect RNA splicing. This variant has not been reported in the literature in individuals affected with TNNI3K-related conditions. This sequence change falls in intron 2 of the TNNI3K gene. It does not directly change the encoded amino acid sequence of the TNNI3K protein. It affects a nucleotide within the consensus splice site of the intron.

Literature cited by the submitters: PubMed 17576681; PubMed 9536098.